The following is an entry in ClinVar:

ClinVar aggregate classification (germline): Uncertain significance (1 of 4 stars; one submission).

Conditions:
Malignant hyperthermia, susceptibility to, 1 (MHS1). Also called: Anesthesia related hyperthermia; Malignant hyperpyrexia; Fulminating hyperpyrexia; Pharmacogenic myopathy; RYR1-Related Malignant Hyperthermia Susceptibility; Malignant hyperthermia suceptibility 1. Identifiers: Orphanet 423, MedGen C2930980, MONDO:0007783, OMIM 145600.

Allele frequency attached by ClinVar (database versions not stated): gnomAD 0.00001; 1000 Genomes Project 30x 0.00016.
gnomAD v4.1: 1 of 1,614,110 alleles (0.000062%); highest among the groups gnomAD compares: Non-Finnish European, 0.000085%; no homozygotes.

Submission:

All of Us Research Program, National Institutes of Health
Classification: Uncertain significance for Malignant hyperthermia, susceptibility to, 1. Last evaluated: 2023-08-28. Review status: criteria provided, single submitter. Criteria: ACMG Guidelines, 2015. Collection method: clinical testing. Allele origin: germline. Inheritance: Autosomal dominant inheritance. Observed: 1 variant allele, 1 heterozygote.
Comment: This missense variant replaces aspartic acid with tyrosine at codon 3588 of the RYR1 protein. Computational prediction suggests that this variant may not impact protein structure and function (internally defined REVEL score threshold <= 0.5, PMID: 27666373). To our knowledge, functional studies have not been reported for this variant. This variant has not been reported in individuals affected with RYR1-related disorders in the literature. This variant has not been identified in the general population by the Genome Aggregation Database (gnomAD). The available evidence is insufficient to determine the role of this variant in disease conclusively. Therefore, this variant is classified as a Variant of Uncertain Significance.

This study involves interpretation of variants in research participants for the purpose of population health screening. Participant phenotype was not available at the time of variant classification. Additional details can be found in publication PMID: 35346344, PMCID: PMC8962531

NM_000540.3(RYR1):c.10762G>T (p.Asp3588Tyr)

Gene: RYR1 (ryanodine receptor 1; plus strand). Cytogenetic location: 19q13.2.
Variant type: single nucleotide variant.
Coding change: c.10762G>T on transcript NM_000540.3 (MANE Select); coding-DNA position 10762, G replaced by T.
Protein change: p.Asp3588Tyr; replaces aspartic acid 3588 with tyrosine.
Molecular consequence: missense variant.
Genome position (GRCh38, 1-based): chr19:38,527,722, G>T. VCF-style: chr19-38527722-G-T. GRCh37 (hg19) VCF-style: chr19-39018362-G-T.
Other names: c.10747G>T, p.Asp3583Tyr (NM_001042723.2); short protein forms D3583Y, D3588Y.
Identifiers: ClinVar variation 3073184 (VCV003073184.1), dbSNP rs2145720123, ClinGen allele CA405646926.